The following is an entry in ClinVar:

ClinVar aggregate classification (germline): Uncertain significance (1 of 4 stars; one submission).

Submission:

Mayo Clinic Laboratories, Mayo Clinic
Classification: Uncertain significance. Last evaluated: 2024-08-27. Review status: criteria provided, single submitter. Criteria: ACMG Guidelines, 2015. Collection method: clinical testing. Allele origin: germline. Observed: 1 variant allele.
Comment: PM2, PM4

NM_000037.4(ANK1):c.882_896del (p.His294_Ile298del)

Gene: ANK1 (ankyrin 1; minus strand). Cytogenetic location: 8p11.21.
Variant type: Deletion.
Coding change: c.882_896del on transcript NM_000037.4 (MANE Select); coding-DNA positions 882 to 896, 15 bases deleted (CGGGGCACCAATCCA).
Protein change: p.His294_Ile298del.
Genome position (GRCh38, 1-based): chr8:41,723,138-41,723,152, TGGATTGGTGCCCCG deleted on the plus strand (CGGGGCACCAATCCA on the coding strand, the reverse complement: ANK1 is on the minus strand); deleting any 15 consecutive bases within chr8:41,723,138-41,723,155 gives the same sequence; the c. name uses the placement nearest the transcript's 3' end. VCF-style (leftmost placement, unchanged base first): chr8-41723137-TTGGATTGGTGCCCCG-T. GRCh37 (hg19) VCF-style: chr8-41580655-TTGGATTGGTGCCCCG-T.
Other names: p.His294_Ile298del; c.981_995del, p.His327_Ile331del (NM_001142446.2); c.882_896del, p.His294_Ile298del (NM_020475.3, NM_020476.3, NM_020477.3).
Identifiers: ClinVar variation 3379815 (VCV003379815.1).